The following is an entry in ClinVar:

NM_030957.4(ADAMTS10):c.2932G>T (p.Ala978Ser)

Gene: ADAMTS10 (ADAM metallopeptidase with thrombospondin type 1 motif 10; minus strand). Cytogenetic location: 19p13.2.
Variant type: single nucleotide variant.
Coding change: c.2932G>T on transcript NM_030957.4 (MANE Select); coding-DNA position 2932, G replaced by T.
Protein change: p.Ala978Ser; replaces alanine 978 with serine.
Molecular consequence: missense variant.
Genome position (GRCh38, 1-based): chr19:8,585,242, C>A on the plus strand (G>T on the coding strand, the complement: ADAMTS10 is on the minus strand). VCF-style: chr19-8585242-C-A. GRCh37 (hg19) VCF-style: chr19-8650126-C-A.
Other names: c.1393G>T, p.Ala465Ser (NM_001282352.2); short protein forms A465S, A978S.
Identifiers: ClinVar variation 4773208 (VCV004773208.1).

ClinVar aggregate classification (germline): Uncertain significance (1 of 4 stars; one submission).

Submission:

Labcorp Genetics (formerly Invitae), Labcorp
Classification: Uncertain significance. Last evaluated: 2025-11-09. Review status: criteria provided, single submitter. Criteria: Invitae Variant Classification Sherloc (09022015). Collection method: clinical testing. Allele origin: germline.
Comment: This sequence change replaces alanine, which is neutral and non-polar, with serine, which is neutral and polar, at codon 978 of the ADAMTS10 protein (p.Ala978Ser). This variant is not present in population databases (gnomAD no frequency). This variant has not been reported in the literature in individuals affected with ADAMTS10-related conditions. An algorithm developed to predict the effect of missense changes on protein structure and function outputs the following: PolyPhen-2: "Benign". The serine amino acid residue is found in multiple mammalian species, which suggests that this missense change does not adversely affect protein function. In summary, the available evidence is currently insufficient to determine the role of this variant in disease. Therefore, it has been classified as a Variant of Uncertain Significance.